The following is an entry in ClinVar:

NM_018389.5(SLC35C1):c.1021del (p.Arg341fs)

Gene: SLC35C1 (solute carrier family 35 member C1; plus strand). Cytogenetic location: 11p11.2.
Variant type: Deletion.
Coding change: c.1021del on transcript NM_018389.5 (MANE Select); coding-DNA position 1021, one base deleted (A; older notation c.1021delA).
Protein change: p.Arg341fs; shifts the reading frame from arginine 341.
Molecular consequence: frameshift variant.
Genome position (GRCh38, 1-based): chr11:45,811,261, A deleted. VCF-style (leftmost placement, unchanged base first): chr11-45811260-CA-C. GRCh37 (hg19) VCF-style: chr11-45832811-CA-C.
Other names: c.982del, p.Arg328fs (NM_001145265.2); c.982delA, p.Arg328Glyfs (NM_001145266.2); short protein forms R341fs, R328fs.
Identifiers: ClinVar variation 1363035 (VCV001363035.7), dbSNP rs2134598673, ClinGen allele CA2573146297.

ClinVar aggregate classification (germline): Uncertain significance (1 of 4 stars; one submission).

Conditions:
Leukocyte adhesion deficiency type II. Also called: CONGENITAL DISORDER OF GLYCOSYLATION, TYPE IIc; CDG IIc; Congenital disorder of glycosylation type 2C; CDG 2C; Leukocyte adhesion deficiency type 2; Rambam Hasharon syndrome. Identifiers: Orphanet 2968, Orphanet 99843, MedGen C0398739, MONDO:0009953, OMIM 266265.

Submission:

Labcorp Genetics (formerly Invitae), Labcorp
Classification: Uncertain significance for Leukocyte adhesion deficiency type II. Last evaluated: 2021-06-22. Review status: criteria provided, single submitter. Criteria: Invitae Variant Classification Sherloc (09022015). Collection method: clinical testing. Allele origin: germline.
Comment: This variant has not been reported in the literature in individuals with SLC35C1-related conditions. In summary, the available evidence is currently insufficient to determine the role of this variant in disease. Therefore, it has been classified as a Variant of Uncertain Significance. Experimental studies and prediction algorithms are not available or were not evaluated, and the functional significance of this variant is currently unknown. This variant is not present in population databases (ExAC no frequency). This sequence change creates a premature translational stop signal (p.Arg341Glyfs*5) in the SLC35C1 gene. While this is not anticipated to result in nonsense mediated decay, it is expected to disrupt the last 24 amino acid(s) of the SLC35C1 protein.